The following is an entry in ClinVar:

NC_000023.11:g.(?_32595737)_(32699313_?)del

Genes: DMD (dystrophin; minus strand), MIR548F5 (microRNA 548f-5; minus strand). Cytogenetic location: Xp21.1.
Variant type: Deletion.
Identifiers: ClinVar variation 584105 (VCV000584105.7).

ClinVar aggregate classification (germline): Pathogenic (1 of 4 stars; one submission).

Conditions:
Duchenne muscular dystrophy (DMD). Also called: MUSCULAR DYSTROPHY, PSEUDOHYPERTROPHIC PROGRESSIVE, DUCHENNE TYPE; Duchenne Muscular Dystrophy (DMD). Identifiers: Orphanet 98896, MedGen C0013264, MONDO:0010679, OMIM 310200.

Submission:

Labcorp Genetics (formerly Invitae), Labcorp
Classification: Pathogenic for Duchenne muscular dystrophy. Last evaluated: 2023-02-24. Review status: criteria provided, single submitter. Criteria: Invitae Variant Classification Sherloc (09022015). Collection method: clinical testing. Allele origin: germline.
Comment: This variant is a gross deletion of the genomic region encompassing exon(s) 8-13 of the DMD gene. This deletion is out-of-frame, and is expected to create a premature termination codon and result in an absent or disrupted protein product. Loss-of-function variants in DMD are known to be pathogenic (PMID: 16770791, 25007885). A similar copy number variant has been observed in individuals with Duchenne or Becker muscular dystrophy (PMID: 9225508, 21969337, 22090376, 23299919). For these reasons, this variant has been classified as Pathogenic.

Literature cited by the submitters: PubMed 16770791; PubMed 25007885; PubMed 9225508; PubMed 21969337; PubMed 22090376; PubMed 23299919.